The following is an entry in ClinVar:

ClinVar aggregate classification (germline): Uncertain significance (1 of 4 stars; one submission).

Conditions:
Familial thoracic aortic aneurysm and aortic dissection (TAAD). Also called: Thoracic aortic aneurysms and dissections. Identifiers: Orphanet 91387, MedGen C4707243, MONDO:0019625.

Submission:

Ambry Genetics
Classification: Uncertain significance for Familial thoracic aortic aneurysm and aortic dissection. Last evaluated: 2024-10-28. Review status: criteria provided, single submitter. Criteria: Ambry Variant Classification Scheme 2023. Collection method: clinical testing. Allele origin: germline.
Comment: The p.H1398Q variant (also known as c.4194C>A), located in coding exon 21 of the MYLK gene, results from a C to A substitution at nucleotide position 4194. The histidine at codon 1398 is replaced by glutamine, an amino acid with highly similar properties. This amino acid position is conserved. In addition, this alteration is predicted to be tolerated by in silico analysis. Based on the available evidence, the clinical significance of this variant remains unclear.

NM_053025.4(MYLK):c.4194C>A (p.His1398Gln)

Gene: MYLK (myosin light chain kinase; minus strand). Cytogenetic location: 3q21.1.
Variant type: single nucleotide variant.
Coding change: c.4194C>A on transcript NM_053025.4 (MANE Select); coding-DNA position 4194, C replaced by A.
Protein change: p.His1398Gln; replaces histidine 1398 with glutamine.
Molecular consequence: missense variant.
Genome position (GRCh38, 1-based): chr3:123,657,220, G>T on the plus strand (C>A on the coding strand, the complement: MYLK is on the minus strand). VCF-style: chr3-123657220-G-T. GRCh37 (hg19) VCF-style: chr3-123376067-G-T.
Other names: c.3666C>A, p.His1222Gln (NM_001321309.2); c.3987C>A, p.His1329Gln (NM_053026.4, NM_053028.4); c.4194C>A, p.His1398Gln (NM_053027.4); short protein forms H1398Q, H1222Q, H1329Q.
Identifiers: ClinVar variation 3401122 (VCV003401122.1).